The following is an entry in ClinVar:

ClinVar aggregate classification (germline): Uncertain significance (1 of 4 stars; one submission).

Submission:

Women's Health and Genetics/Laboratory Corporation of America, LabCorp
Classification: Uncertain significance. Last evaluated: 2024-02-14. Review status: criteria provided, single submitter. Criteria: LabCorp Variant Classification Summary - May 2015. Collection method: clinical testing. Allele origin: germline.
Comment: Variant summary: MAP2K1 c.292-2A>G is located in a canonical splice-site and is predicted to affect mRNA splicing resulting in a significantly altered protein due to either exon skipping, shortening, or inclusion of intronic material, however, loss-of-function is not a mechanism of disease for MAP2K1. Several computational tools predict a significant impact on normal splicing: Four predict the variant abolishes a 3' acceptor site. However, these predictions have yet to be confirmed by functional studies. The variant was absent in 251428 control chromosomes. The available data on variant occurrences in the general population are insufficient to allow any conclusion about variant significance. To our knowledge, no occurrence of c.292-2A>G in individuals affected with Noonan Syndrome And Related Conditions and no experimental evidence demonstrating its impact on protein function have been reported. No submitters have cited clinical-significance assessments for this variant to ClinVar. Based on the evidence outlined above, the variant was classified as uncertain significance.

NM_002755.4(MAP2K1):c.292-2A>G

Gene: MAP2K1 (mitogen-activated protein kinase kinase 1; plus strand). Cytogenetic location: 15q22.31.
Variant type: single nucleotide variant.
Coding change: c.292-2A>G on transcript NM_002755.4 (MANE Select); the canonical splice acceptor site of the intron before coding-DNA position 292, A replaced by G.
Molecular consequence: splice acceptor variant.
Genome position (GRCh38, 1-based): chr15:66,436,744, A>G. VCF-style: chr15-66436744-A-G. GRCh37 (hg19) VCF-style: chr15-66729082-A-G.
Other names: c.226-2A>G (NM_001411065.1).
Identifiers: ClinVar variation 3068994 (VCV003068994.2), dbSNP rs2140583270, ClinGen allele CA392930148.
Genomic context (GRCh38, chr15:66,436,744, plus strand): 5'-ATCTTTCATCCCTTCCTCCCTCTTTCTTTCATAAAACCTCTCTTTCTTCCACCTTTCTCC[A>G]GCTAATTCATCTGGAGATCAAACCCGCAATCCGGAACCAGATCATAAGGGAGCTGCAGGT-3'